The following is an entry in ClinVar:

ClinVar aggregate classification (germline): Conflicting classifications of pathogenicity. Review status: criteria provided, conflicting classifications (1 of 4 stars). 2 submissions from 2 submitters: Pathogenic (1); Uncertain significance (1). Last evaluated 2026-02-05.

Conditions:
Hereditary cancer-predisposing syndrome. Also called: Tumor predisposition; Hereditary Cancer Syndrome; Hereditary neoplastic syndrome; Neoplastic Syndromes, Hereditary. Identifiers: Orphanet 140162, MedGen C0027672, MeSH D009386, MONDO:0015356.

gnomAD v4.1: 1 of 1,585,458 alleles (0.000063%); highest among the groups gnomAD compares: Non-Finnish European, 0.000086%; no homozygotes.

Submissions (2):

Ambry Genetics
Classification: Uncertain significance for Hereditary cancer-predisposing syndrome. Last evaluated: 2026-02-05. Review status: criteria provided, single submitter. Criteria: Ambry Variant Classification Scheme 2023. Collection method: clinical testing. Allele origin: germline.
Comment: The p.E719* variant (also known as c.2155G>T), located in coding exon 19 of the POLE gene, results from a G to T substitution at nucleotide position 2155. This changes the amino acid from a glutamic acid to a stop codon within coding exon 19. This alteration is expected to result in loss of function by premature protein truncation or nonsense-mediated mRNA decay. Although biallelic loss of function of POLE has been associated with autosomal recessive POLE deficiency, haploinsufficiency of POLE has not been established as a mechanism of disease for POLE-related polymerase proofreading-associated polyposis (PPAP) and POLE-related CMMRD-like syndrome. Based on the supporting evidence, this variant is expected to be causative of POLE deficiency when present along with a second pathogenic variant on the other allele; however, its clinical significance for PPAP and POLE-related CMMRD-like syndrome is unclear.

Labcorp Genetics (formerly Invitae), Labcorp
Classification: Pathogenic. Last evaluated: 2025-07-29. Review status: criteria provided, single submitter. Criteria: Invitae Variant Classification Sherloc (09022015). Collection method: clinical testing. Allele origin: germline.
Comment: This sequence change creates a premature translational stop signal (p.Glu719*) in the POLE gene. It is expected to result in an absent or disrupted protein product. Loss-of-function variants in POLE are known to be pathogenic (PMID: 23230001, 25948378, 30503519). This variant is not present in population databases (gnomAD no frequency). This variant has not been reported in the literature in individuals affected with POLE-related conditions. ClinVar contains an entry for this variant (Variation ID: 1786811). For these reasons, this variant has been classified as Pathogenic.

Literature cited by the submitters: PubMed 23230001 (cited by Labcorp Genetics (formerly Invitae), Labcorp); PubMed 25948378 (cited by Labcorp Genetics (formerly Invitae), Labcorp); PubMed 30503519 (cited by Labcorp Genetics (formerly Invitae), Labcorp).

NM_006231.4(POLE):c.2155G>T (p.Glu719Ter)

Gene: POLE (DNA polymerase epsilon, catalytic subunit; minus strand). Cytogenetic location: 12q24.33.
Variant type: single nucleotide variant.
Coding change: c.2155G>T on transcript NM_006231.4 (MANE Select); coding-DNA position 2155, G replaced by T.
Protein change: p.Glu719Ter; replaces glutamic acid 719 with a stop codon.
Molecular consequence: nonsense.
Genome position (GRCh38, 1-based): chr12:132,668,374, C>A on the plus strand (G>T on the coding strand, the complement: POLE is on the minus strand). VCF-style: chr12-132668374-C-A. GRCh37 (hg19) VCF-style: chr12-133244960-C-A.
Other names: short protein forms E719*.
Identifiers: ClinVar variation 1786811 (VCV001786811.8), dbSNP rs765254190, ClinGen allele CA387353594.